The following is an entry in ClinVar:

NM_018718.3(CEP41):c.33+1G>A

Gene: CEP41 (centrosomal protein 41; minus strand). Cytogenetic location: 7q32.2.
Variant type: single nucleotide variant.
Coding change: c.33+1G>A on transcript NM_018718.3 (MANE Select); the canonical splice donor site of the intron after coding-DNA position 33, G replaced by A.
Molecular consequence: splice donor variant.
Genome position (GRCh38, 1-based): chr7:130,440,933, C>T on the plus strand (G>A on the coding strand, the complement: CEP41 is on the minus strand). VCF-style: chr7-130440933-C-T. GRCh37 (hg19) VCF-style: chr7-130080774-C-T.
Other names: c.33+1G>A (NM_001257159.2, NM_001257158.2, NM_001257160.2).
Identifiers: ClinVar variation 2308063 (VCV002308063.2), dbSNP rs1315958299, ClinGen allele CA369289480.

ClinVar aggregate classification (germline): Pathogenic (1 of 4 stars; one submission).

Conditions:
Inborn genetic diseases. Identifiers: MedGen C0950123, MeSH D030342.

Allele frequency attached by ClinVar (database versions not stated): TOPMed 0.00003.

Submission:

Ambry Genetics
Classification: Pathogenic for Inborn genetic diseases. Last evaluated: 2022-09-27. Review status: criteria provided, single submitter. Criteria: Ambry Variant Classification Scheme 2023. Collection method: clinical testing. Allele origin: germline.
Comment: The c.33+1G>A intronic variant results from a G to A substitution one nucleotide after coding exon 1 of the CEP41 gene. Alterations that disrupt the canonical splice site are expected to result in aberrant splicing. This variant was not reported in population-based cohorts in the Genome Aggregation Database (gnomAD). Another alteration impacting the same donor site (c.33+2T>G) has been detected in individuals with clinical features of CEP41-related ciliopathy (Lee, 2012). This nucleotide position is highly conserved in available vertebrate species. In silico splice site analysis predicts that this alteration will weaken the native splice donor site. Based on the available evidence, this alteration is classified as pathogenic.

Literature cited by the submitters: PubMed 22246503.